The following is an entry in ClinVar:

ClinVar aggregate classification (germline): Uncertain significance (1 of 4 stars; one submission).

Allele frequency attached by ClinVar (database versions not stated): TOPMed below 0.00001; gnomAD 0.00001.

Submission:

Labcorp Genetics (formerly Invitae), Labcorp
Classification: Uncertain significance. Last evaluated: 2022-06-22. Review status: criteria provided, single submitter. Criteria: Invitae Variant Classification Sherloc (09022015). Collection method: clinical testing. Allele origin: germline.
Comment: In summary, the available evidence is currently insufficient to determine the role of this variant in disease. Therefore, it has been classified as a Variant of Uncertain Significance. Algorithms developed to predict the effect of sequence changes on RNA splicing suggest that this variant may disrupt the consensus splice site. This sequence change falls in intron 6 of the WDR1 gene. It does not directly change the encoded amino acid sequence of the WDR1 protein. This variant is not present in population databases (gnomAD no frequency). This variant has not been reported in the literature in individuals affected with WDR1-related conditions.

NM_017491.5(WDR1):c.637-5G>C

Gene: WDR1 (WD repeat domain 1; minus strand). Cytogenetic location: 4p16.1.
Variant type: single nucleotide variant.
Coding change: c.637-5G>C on transcript NM_017491.5 (MANE Select); 5 bases into the intron before coding-DNA position 637, G replaced by C.
Molecular consequence: intron variant.
Genome position (GRCh38, 1-based): chr4:10,088,378, C>G on the plus strand (G>C on the coding strand, the complement: WDR1 is on the minus strand). VCF-style: chr4-10088378-C-G. GRCh37 (hg19) VCF-style: chr4-10090002-C-G.
Other names: c.217-5G>C (NM_005112.5).
Identifiers: ClinVar variation 2008917 (VCV002008917.4), dbSNP rs1711733667, ClinGen allele CA1059223696.